The following is an entry in ClinVar:

ClinVar aggregate classification (germline): Benign. Review status: criteria provided, single submitter (1 of 4 stars). 2 submissions from 2 submitters: Benign (1). 1 of the submissions does not count toward it. Last evaluated 2025-12-16.

Conditions:
FGFRL1-related disorder. Also called: FGFRL1-related condition.

Allele frequency attached by ClinVar (database versions not stated): ExAC 0.00120; 1000 Genomes Project 0.00240; 1000 Genomes Project 30x 0.00250; ESP Exome Variant Server 0.00255; gnomAD 0.00264 and 0.00284; TOPMed 0.00278; gnomAD exomes 0.00024 and 0.00056.
gnomAD v4.1: 759 of 1,599,660 alleles (0.047%); highest among the groups gnomAD compares: African/African-American, 0.91%; 1 homozygote.

Submissions (2):

Labcorp Genetics (formerly Invitae), Labcorp
Classification: Benign. Last evaluated: 2025-12-16. Review status: criteria provided, single submitter. Criteria: Invitae Variant Classification Sherloc (09022015). Collection method: clinical testing. Allele origin: germline.

PreventionGenetics, part of Exact Sciences
Classification: Likely benign for FGFRL1-related condition. Last evaluated: 2019-03-26. Review status: no assertion criteria provided. Collection method: clinical testing. Allele origin: germline. Not counted in ClinVar's aggregate classification.
Comment: This variant is classified as likely benign based on ACMG/AMP sequence variant interpretation guidelines (Richards et al. 2015 PMID: 25741868, with internal and published modifications).

NM_001004356.3(FGFRL1):c.588C>T (p.Ala196=)

Gene: FGFRL1 (fibroblast growth factor receptor like 1; plus strand). Cytogenetic location: 4p16.3.
Variant type: single nucleotide variant.
Coding change: c.588C>T on transcript NM_001004356.3 (MANE Select); coding-DNA position 588, C replaced by T.
Protein change: p.Ala196=; no amino-acid change (alanine 196 retained).
Molecular consequence: synonymous variant.
Genome position (GRCh38, 1-based): chr4:1,023,971, C>T. VCF-style: chr4-1023971-C-T. GRCh37 (hg19) VCF-style: chr4-1017759-C-T.
Other names: c.588C>T, p.Ala196= (NM_001004358.1, NM_001370296.1, NM_021923.3).
Identifiers: ClinVar variation 780905 (VCV000780905.11), dbSNP rs144863877, ClinGen allele CA2802774.